The following is an entry in ClinVar:

ClinVar aggregate classification (germline): Likely benign (0 of 4 stars; one submission).

Conditions:
HDLBP-related disorder. Also called: HDLBP-related condition.

Submission:

PreventionGenetics, part of Exact Sciences
Classification: Likely benign for HDLBP-related condition. Last evaluated: 2019-06-06. Review status: no assertion criteria provided. Collection method: clinical testing. Allele origin: germline.
Comment: This variant is classified as likely benign based on ACMG/AMP sequence variant interpretation guidelines (Richards et al. 2015 PMID: 25741868, with internal and published modifications).

NM_005336.6(HDLBP):c.-16A>T

Gene: HDLBP (high density lipoprotein binding protein; minus strand). Cytogenetic location: 2q37.3.
Variant type: single nucleotide variant.
Coding change: c.-16A>T on transcript NM_005336.6 (MANE Select); 16 bases upstream of the start codon, A replaced by T.
Molecular consequence: 5 prime UTR variant. On other transcripts: synonymous variant (1).
Genome position (GRCh38, 1-based): chr2:241,266,885, T>A on the plus strand (A>T on the coding strand, the complement: HDLBP is on the minus strand). VCF-style: chr2-241266885-T-A. GRCh37 (hg19) VCF-style: chr2-242206300-T-A.
Other names: c.93A>T, p.Val31= (NM_001243900.3); c.-16A>T (NM_001320965.3, NM_001320966.3, NM_001320967.3 and 1 more transcripts).
Identifiers: ClinVar variation 3044737 (VCV003044737.2), dbSNP rs2533813202, ClinGen allele CA2740096547.